The following is an entry in ClinVar:

ClinVar aggregate classification (germline): Uncertain significance. Review status: criteria provided, multiple submitters, no conflicts (2 of 4 stars). 2 submissions from 2 submitters: Uncertain significance (2). Last evaluated 2025-03-24.

Conditions:
Inborn genetic diseases. Identifiers: MedGen C0950123, MeSH D030342.

Allele frequency attached by ClinVar (database versions not stated): gnomAD exomes below 0.00001; ExAC 0.00003; TOPMed 0.00005; gnomAD 0.00006.

Submissions (2):

Labcorp Genetics (formerly Invitae), Labcorp
Classification: Uncertain significance. Last evaluated: 2025-03-24. Review status: criteria provided, single submitter. Criteria: Invitae Variant Classification Sherloc (09022015). Collection method: clinical testing. Allele origin: germline.
Comment: This sequence change replaces serine, which is neutral and polar, with asparagine, which is neutral and polar, at codon 237 of the KLF1 protein (p.Ser237Asn). The frequency data for this variant in the population databases is considered unreliable, as metrics indicate poor data quality at this position in the gnomAD database. This variant has not been reported in the literature in individuals affected with KLF1-related conditions. ClinVar contains an entry for this variant (Variation ID: 2397697). Invitae Evidence Modeling of protein sequence and biophysical properties (such as structural, functional, and spatial information, amino acid conservation, physicochemical variation, residue mobility, and thermodynamic stability) indicates that this missense variant is not expected to disrupt KLF1 protein function with a negative predictive value of 80%. In summary, the available evidence is currently insufficient to determine the role of this variant in disease. Therefore, it has been classified as a Variant of Uncertain Significance.

Ambry Genetics
Classification: Uncertain significance for Inborn genetic diseases. Last evaluated: 2022-12-01. Review status: criteria provided, single submitter. Criteria: Ambry Variant Classification Scheme 2023. Collection method: clinical testing. Allele origin: germline.

NM_006563.5(KLF1):c.710G>A (p.Ser237Asn)

Gene: KLF1 (KLF transcription factor 1; minus strand). Cytogenetic location: 19p13.13.
Variant type: single nucleotide variant.
Coding change: c.710G>A on transcript NM_006563.5 (MANE Select); coding-DNA position 710, G replaced by A.
Protein change: p.Ser237Asn; replaces serine 237 with asparagine.
Molecular consequence: missense variant.
Genome position (GRCh38, 1-based): chr19:12,885,520, C>T on the plus strand (G>A on the coding strand, the complement: KLF1 is on the minus strand). VCF-style: chr19-12885520-C-T. GRCh37 (hg19) VCF-style: chr19-12996334-C-T.
Other names: short protein forms S237N.
Identifiers: ClinVar variation 2397697 (VCV002397697.3), dbSNP rs759742641, ClinGen allele CA9234027.